The following is an entry in ClinVar:

NM_001376256.1(CRYM):c.29C>G (p.Ala10Gly)

Genes: CRYM (crystallin mu; minus strand), LOC130058620 (ATAC-STARR-seq lymphoblastoid active region 10553; plus strand). Cytogenetic location: 16p12.2.
Variant type: single nucleotide variant.
Coding change: c.29C>G on transcript NM_001376256.1 (MANE Select); coding-DNA position 29, C replaced by G.
Protein change: p.Ala10Gly; replaces alanine 10 with glycine.
Molecular consequence: missense variant.
Genome position (GRCh38, 1-based): chr16:21,278,223, G>C on the plus strand (C>G on the coding strand, the complement: CRYM is on the minus strand). VCF-style: chr16-21278223-G-C. GRCh37 (hg19) VCF-style: chr16-21289544-G-C.
Other names: c.29C>G, p.Ala10Gly (NM_001888.5); short protein forms A10G.
Identifiers: ClinVar variation 1804934 (VCV001804934.1), dbSNP rs760636344, ClinGen allele CA7950831.
Genomic context (GRCh38, chr16:21,278,223, plus strand): 5'-GCCGTCTCTAGAGGCGGGATGAGGAGGCTGGAGCTGCGGAGGTGTTCCTCCACCTCGGCC[G>C]CGCTCAGGAACGCTGGTACCCGGCTCATCTCGCCACCTGTGCCTTCTAACCTCAGTCTCC-3'
Protein context (NP_001363185.1, residues 1-20): MSRVPAFLS[Ala10Gly]AEVEEHLRSS

ClinVar aggregate classification (germline): Uncertain significance (1 of 4 stars; one submission).

Conditions:
Autosomal dominant nonsyndromic hearing loss 40. Also called: Deafness, autosomal dominant 40. Identifiers: Orphanet 90635, MedGen C4084708, MONDO:0014603, OMIM 616357.

Allele frequency attached by ClinVar (database versions not stated): gnomAD 0.00001; TOPMed 0.00002.
gnomAD v4.1: 8 of 1,574,798 alleles (0.00051%); highest among the groups gnomAD compares: African/African-American, 0.0027%; no homozygotes.

Submission:

Victorian Clinical Genetics Services, Murdoch Childrens Research Institute
Classification: Uncertain significance for Autosomal dominant nonsyndromic hearing loss 40. Last evaluated: 2021-05-06. Review status: criteria provided, single submitter. Criteria: ACMG Guidelines, 2015. Collection method: clinical testing. Allele origin: germline. Inheritance: Autosomal dominant inheritance.
Comment: Based on the classification scheme VCGS_Germline_v1.3.4, this variant is classified as VUS-3C. Following criteria are met: 0105 - The mechanism of disease for this gene is not clearly established. (I) 0107 - This gene is associated with autosomal dominant disease. (I) 0200 - Variant is predicted to result in a missense amino acid change from alanine to glycine. (I) 0251 - This variant is heterozygous. (I) 0302 - Variant is present in gnomAD (v2) <0.001 for a dominant condition (2 heterozygotes, 0 homozygotes). (SP) 0309 - An alternative amino acid change at the same position has been observed in gnomAD (v2) (3 heterozygotes, 0 homozygotes). (I) 0503 - Missense variant consistently predicted to be tolerated by multiple in silico tools or not conserved in placental mammals with a minor amino acid change. (SB) 0604 - Variant is not located in an established domain, motif, hotspot or informative constraint region. (I) 0705 - No comparable missense variants have previous evidence for pathogenicity. (I) 0807 - This variant has no previous evidence of pathogenicity. (I) 0905 - No published segregation evidence has been identified for this variant. (I) 1007 - No published functional evidence has been identified for this variant. (I) 1208 - Inheritance information for this variant is not currently available in this individual. (I) Legend: (SP) - Supporting pathogenic, (I) - Information, (SB) - Supporting benign